The following is an entry in ClinVar:

NM_024596.5(MCPH1):c.2391C>T (p.Ile797=)

Genes: MCPH1-AS1 (MCPH1 antisense RNA 1; minus strand), MCPH1 (microcephalin 1; plus strand). Cytogenetic location: 8p23.1.
Variant type: single nucleotide variant.
Coding change: c.2391C>T on transcript NM_024596.5 (MANE Select); coding-DNA position 2391, C replaced by T.
Protein change: p.Ile797=; no amino-acid change (isoleucine 797 retained).
Molecular consequence: synonymous variant. On other transcripts: non-coding transcript variant (1).
Genome position (GRCh38, 1-based): chr8:6,621,630, C>T. VCF-style: chr8-6621630-C-T. GRCh37 (hg19) VCF-style: chr8-6479151-C-T.
Other names: c.2391C>T, p.Ile797= (NM_001322042.2, NM_001363979.1, NM_001410917.1); c.2112C>T, p.Ile704= (NM_001363980.2); c.2391C>T (NM_001322042.1).
Identifiers: ClinVar variation 2899795 (VCV002899795.4), dbSNP rs768620457, ClinGen allele CA4611521.

ClinVar aggregate classification (germline): Likely benign. Review status: criteria provided, multiple submitters, no conflicts (2 of 4 stars). 2 submissions from 2 submitters: Likely benign (2). Last evaluated 2025-10-06.

Conditions:
MCPH1-related disorder. Also called: MCPH1-related condition.

Allele frequency attached by ClinVar (database versions not stated): ExAC 0.00001; gnomAD exomes 0.00001; gnomAD 0.00002; TOPMed 0.00002.
gnomAD v4.1: 24 of 1,614,094 alleles (0.0015%); highest among the groups gnomAD compares: East Asian, 0.0022%; no homozygotes.

Submissions (2):

Labcorp Genetics (formerly Invitae), Labcorp
Classification: Likely benign. Last evaluated: 2025-10-06. Review status: criteria provided, single submitter. Criteria: Invitae Variant Classification Sherloc (09022015). Collection method: clinical testing. Allele origin: germline.

PreventionGenetics, part of Exact Sciences
Classification: Likely benign for MCPH1-related condition. Last evaluated: 2025-07-18. Review status: criteria provided, single submitter. Criteria: ACMG Guidelines, 2015. Collection method: clinical testing. Allele origin: germline.
Comment: This variant is classified as likely benign based on ACMG/AMP sequence variant interpretation guidelines (Richards et al. 2015 PMID: 25741868, with internal and published modifications).